The following is an entry in ClinVar:

NM_000054.7(AVPR2):c.814A>G (p.Met272Val)

Gene: AVPR2 (arginine vasopressin receptor 2; plus strand). Cytogenetic location: Xq28.
Variant type: single nucleotide variant.
Coding change: c.814A>G on transcript NM_000054.7 (MANE Select); coding-DNA position 814, A replaced by G.
Protein change: p.Met272Val; replaces methionine 272 with valine.
Molecular consequence: missense variant. On other transcripts: non-coding transcript variant (1).
Genome position (GRCh38, 1-based): chrX:153,906,320, A>G. VCF-style: chrX-153906320-A-G. GRCh37 (hg19) VCF-style: chrX-153171774-A-G.
Other names: c.814A>G, p.Met272Val (NM_001146151.3); short protein forms M272V.
Identifiers: ClinVar variation 996110 (VCV000996110.3), dbSNP rs2064966794, ClinGen allele CA415109441.

ClinVar aggregate classification (germline): Likely pathogenic (0 of 4 stars; one submission).

Conditions:
Diabetes insipidus, nephrogenic, X-linked. Also called: Nephrogenic Diabetes Insipidus, Type I. Identifiers: Orphanet 223, MedGen C1563705, MONDO:0010581, OMIM 304800.

Submission:

Department of Endocrinology, Chinese PLA General Hospital
Classification: Likely pathogenic for Diabetes insipidus, nephrogenic, X-linked. Last evaluated: 2021-01-15. Review status: no assertion criteria provided. Collection method: clinical testing. Allele origin: inherited. Inheritance: X-linked recessive inheritance. Affected: yes. Observed: 10 variant alleles, 5 heterozygotes, 5 homozygotes.
Comment: A AVPR2 mutation (814A>G) was identified in a Chinese family with congenital nephrogenic diabetes insipidus (CNDI). This novel mutation may be involved in improper assembly of the arginine vasopressin receptor 2. Female carriers with the heterozygous form of the 814A>G mutation had a clinical NDI phenotype, perhaps due to the pattern of X-chromosome inactivation. The clinical NDI phenotype in female carriers with the heterozygote 814A>G mutation may result from the methylation coded for by the normal allele of the AVPR2 gene, which is dominant.

Literature cited by the submitters: PubMed 32903920; PubMed 32073219.